The following is an entry in ClinVar:

NM_003601.4(SMARCA5):c.3065A>G (p.Glu1022Gly)

Gene: SMARCA5 (SNF2 related chromatin remodeling ATPase 5; plus strand). Cytogenetic location: 4q31.21.
Variant type: single nucleotide variant.
Coding change: c.3065A>G on transcript NM_003601.4 (MANE Select); coding-DNA position 3065, A replaced by G.
Protein change: p.Glu1022Gly; replaces glutamic acid 1022 with glycine.
Molecular consequence: missense variant.
Genome position (GRCh38, 1-based): chr4:143,550,076, A>G. VCF-style: chr4-143550076-A-G. GRCh37 (hg19) VCF-style: chr4-144471229-A-G.
Other names: short protein forms E1022G.
Identifiers: ClinVar variation 4528128 (VCV004528128.1).

ClinVar aggregate classification (germline): Uncertain significance (1 of 4 stars; one submission).

Submission:

GeneDx
Classification: Uncertain significance. Last evaluated: 2025-05-03. Review status: criteria provided, single submitter. Criteria: GeneDx Variant Classification Process June 2021. Collection method: clinical testing. Allele origin: germline. Affected: yes.
Comment: Not observed at significant frequency in large population cohorts (gnomAD); In silico analysis supports that this missense variant has a deleterious effect on protein structure/function; Has not been previously published as pathogenic or benign to our knowledge